The following is an entry in ClinVar:

ClinVar aggregate classification (germline): Uncertain significance (1 of 4 stars; one submission).

Allele frequency attached by ClinVar (database versions not stated): gnomAD exomes below 0.00001.

Submission:

Labcorp Genetics (formerly Invitae), Labcorp
Classification: Uncertain significance. Last evaluated: 2021-09-26. Review status: criteria provided, single submitter. Criteria: Invitae Variant Classification Sherloc (09022015). Collection method: clinical testing. Allele origin: germline.
Comment: This sequence change replaces tyrosine with cysteine at codon 1913 of the MTOR protein (p.Tyr1913Cys). The tyrosine residue is moderately conserved and there is a large physicochemical difference between tyrosine and cysteine. In summary, the available evidence is currently insufficient to determine the role of this variant in disease. Therefore, it has been classified as a Variant of Uncertain Significance. Advanced modeling of protein sequence and biophysical properties (such as structural, functional, and spatial information, amino acid conservation, physicochemical variation, residue mobility, and thermodynamic stability) performed at Invitae indicates that this missense variant is expected to disrupt MTOR protein function. This variant has not been reported in the literature in individuals affected with MTOR-related conditions. This variant is not present in population databases (ExAC no frequency).

NM_004958.4(MTOR):c.5738A>G (p.Tyr1913Cys)

Gene: MTOR (mechanistic target of rapamycin kinase; minus strand). Cytogenetic location: 1p36.22.
Variant type: single nucleotide variant.
Coding change: c.5738A>G on transcript NM_004958.4 (MANE Select); coding-DNA position 5738, A replaced by G.
Protein change: p.Tyr1913Cys; replaces tyrosine 1913 with cysteine.
Molecular consequence: missense variant.
Genome position (GRCh38, 1-based): chr1:11,128,928, T>C on the plus strand (A>G on the coding strand, the complement: MTOR is on the minus strand). VCF-style: chr1-11128928-T-C. GRCh37 (hg19) VCF-style: chr1-11188985-T-C.
Other names: c.5738A>G, p.Tyr1913Cys (NM_001386500.1); c.4490A>G, p.Tyr1497Cys (NM_001386501.1); short protein forms Y1913C, Y1497C.
Identifiers: ClinVar variation 1443751 (VCV001443751.6), dbSNP rs2100419399, ClinGen allele CA338397058.